The following is an entry in ClinVar:

ClinVar aggregate classification (germline): Uncertain significance (1 of 4 stars; one submission).

Submission:

Labcorp Genetics (formerly Invitae), Labcorp
Classification: Uncertain significance. Last evaluated: 2022-07-17. Review status: criteria provided, single submitter. Criteria: Invitae Variant Classification Sherloc (09022015). Collection method: clinical testing. Allele origin: germline.
Comment: This variant is not present in population databases (gnomAD no frequency). This sequence change replaces isoleucine, which is neutral and non-polar, with threonine, which is neutral and polar, at codon 79 of the CLUAP1 protein (p.Ile79Thr). This variant has not been reported in the literature in individuals affected with CLUAP1-related conditions. Algorithms developed to predict the effect of missense changes on protein structure and function (SIFT, PolyPhen-2, Align-GVGD) all suggest that this variant is likely to be disruptive. In summary, the available evidence is currently insufficient to determine the role of this variant in disease. Therefore, it has been classified as a Variant of Uncertain Significance.

NM_015041.3(CLUAP1):c.236T>C (p.Ile79Thr)

Gene: CLUAP1 (clusterin associated protein 1; plus strand). Cytogenetic location: 16p13.3.
Variant type: single nucleotide variant.
Coding change: c.236T>C on transcript NM_015041.3 (MANE Select); coding-DNA position 236, T replaced by C.
Protein change: p.Ile79Thr; replaces isoleucine 79 with threonine.
Molecular consequence: missense variant.
Genome position (GRCh38, 1-based): chr16:3,508,305, T>C. VCF-style: chr16-3508305-T-C. GRCh37 (hg19) VCF-style: chr16-3558305-T-C.
Other names: c.236T>C, p.Ile79Thr (NM_001330454.2); short protein forms I79T.
Identifiers: ClinVar variation 1717774 (VCV001717774.5), dbSNP rs2037547702, ClinGen allele CA394512162.